The following is an entry in ClinVar:

NM_024596.5(MCPH1):c.22G>A (p.Asp8Asn)

Gene: MCPH1 (microcephalin 1; plus strand). Cytogenetic location: 8p23.1.
Variant type: single nucleotide variant.
Coding change: c.22G>A on transcript NM_024596.5 (MANE Select); coding-DNA position 22, G replaced by A.
Protein change: p.Asp8Asn; replaces aspartic acid 8 with asparagine.
Molecular consequence: missense variant. On other transcripts: non-coding transcript variant (1).
Genome position (GRCh38, 1-based): chr8:6,406,689, G>A. VCF-style: chr8-6406689-G-A. GRCh37 (hg19) VCF-style: chr8-6264210-G-A.
Other names: c.22G>A, p.Asp8Asn (NM_001172574.2, NM_001172575.2, NM_001322042.2 and 4 more transcripts); c.22G>A, p.Val8Met (NM_001322043.2); short protein forms D8N, V8M.
Identifiers: ClinVar variation 1898186 (VCV001898186.3), dbSNP rs749997244, ClinGen allele CA4609979.

ClinVar aggregate classification (germline): Uncertain significance (1 of 4 stars; one submission).

Allele frequency attached by ClinVar (database versions not stated): ExAC 0.00003; TOPMed 0.00003; gnomAD 0.00004.
gnomAD v4.1: 106 of 1,612,102 alleles (0.0066%); highest among the groups gnomAD compares: Non-Finnish European, 0.008%; no homozygotes.

Submissions (2):

Labcorp Genetics (formerly Invitae), Labcorp
Classification: Uncertain significance. Last evaluated: 2022-05-04. Review status: criteria provided, single submitter. Criteria: Invitae Variant Classification Sherloc (09022015). Collection method: clinical testing. Allele origin: germline.
Comment: This sequence change replaces aspartic acid, which is acidic and polar, with asparagine, which is neutral and polar, at codon 8 of the MCPH1 protein (p.Asp8Asn). This variant also falls at the last nucleotide of exon 1, which is part of the consensus splice site for this exon. This variant is present in population databases (rs749997244, gnomAD 0.01%). This variant has not been reported in the literature in individuals affected with MCPH1-related conditions. Algorithms developed to predict the effect of missense changes on protein structure and function are either unavailable or do not agree on the potential impact of this missense change (SIFT: "Not Available"; PolyPhen-2: "Benign"; Align-GVGD: "Not Available"). Variants that disrupt the consensus splice site are a relatively common cause of aberrant splicing (PMID: 17576681, 9536098). Algorithms developed to predict the effect of sequence changes on RNA splicing suggest that this variant may disrupt the consensus splice site. In summary, the available evidence is currently insufficient to determine the role of this variant in disease. Therefore, it has been classified as a Variant of Uncertain Significance.

Dr. Peter K. Rogan Lab, Western University
No classification provided (evidence only). Condition: Sarcoma. Review status: no classification provided. Collection method: in vitro. Allele origin: not applicable. Functional consequence: retained intron. Not counted in ClinVar's aggregate classification.

Literature cited by the submitters: PubMed 17576681 (cited by Labcorp Genetics (formerly Invitae), Labcorp); PubMed 9536098 (cited by Labcorp Genetics (formerly Invitae), Labcorp).